The following is an entry in ClinVar:

ClinVar aggregate classification (germline): Uncertain significance (1 of 4 stars; one submission).

Allele frequency attached by ClinVar (database versions not stated): gnomAD 0.00001; TOPMed 0.00001.

Submission:

Labcorp Genetics (formerly Invitae), Labcorp
Classification: Uncertain significance. Last evaluated: 2024-03-24. Review status: criteria provided, single submitter. Criteria: Invitae Variant Classification Sherloc (09022015). Collection method: clinical testing. Allele origin: germline.
Comment: This sequence change replaces glycine, which is neutral and non-polar, with arginine, which is basic and polar, at codon 90 of the LEMD3 protein (p.Gly90Arg). This variant is not present in population databases (gnomAD no frequency). This variant has not been reported in the literature in individuals affected with LEMD3-related conditions. ClinVar contains an entry for this variant (Variation ID: 1399037). An algorithm developed to predict the effect of missense changes on protein structure and function (PolyPhen-2) suggests that this variant is likely to be disruptive. In summary, the available evidence is currently insufficient to determine the role of this variant in disease. Therefore, it has been classified as a Variant of Uncertain Significance.

NM_014319.5(LEMD3):c.268G>C (p.Gly90Arg)

Gene: LEMD3 (LEM domain containing 3; plus strand). Cytogenetic location: 12q14.3.
Variant type: single nucleotide variant.
Coding change: c.268G>C on transcript NM_014319.5 (MANE Select); coding-DNA position 268, G replaced by C.
Protein change: p.Gly90Arg; replaces glycine 90 with arginine.
Molecular consequence: missense variant.
Genome position (GRCh38, 1-based): chr12:65,169,864, G>C. VCF-style: chr12-65169864-G-C. GRCh37 (hg19) VCF-style: chr12-65563644-G-C.
Other names: c.268G>C, p.Gly90Arg (NM_001167614.2); short protein forms G90R.
Identifiers: ClinVar variation 1399037 (VCV001399037.8), dbSNP rs991774538, ClinGen allele CA238907667.